The following is an entry in ClinVar:

ClinVar aggregate classification (germline): Uncertain significance (1 of 4 stars; one submission).

Conditions:
Hereditary cancer-predisposing syndrome. Also called: Hereditary Cancer Syndrome; Hereditary neoplastic syndrome; Neoplastic Syndromes, Hereditary; Tumor predisposition. Identifiers: Orphanet 140162, MedGen C0027672, MeSH D009386, MONDO:0015356.

Submission:

Ambry Genetics
Classification: Uncertain significance for Hereditary cancer-predisposing syndrome. Last evaluated: 2025-09-09. Review status: criteria provided, single submitter. Criteria: Ambry Variant Classification Scheme 2023. Collection method: clinical testing. Allele origin: germline.
Comment: The c.425+1G>T intronic variant results from a G to T substitution one nucleotide after coding exon 3 of the BRCA2 gene. This nucleotide position is highly conserved in available vertebrate species. In silico splice site analysis predicts that this alteration will weaken the native splice donor site. RNA studies of a close-match alteration, BRCA2 c.425G>T, have demonstrated that it results in complete abnormal splicing in the set of samples tested (Ambry internal data; Brand&atilde;o R et al. Breast Cancer Res. Treat. 2011 Oct;129(3):971-82; Nix P et al. Fam Cancer, 2021 Jan). BRCA2 c.425G>T, which is expected to have the same splicing profile as this alteration, was able to rescue the growth defect in BRCA2-null mouse embryonic stem cells, and these surviving cells maintained partial activity in a homology directed DNA repair functional assay (Mesman R et al. Genet Med 2020 Aug;22(8):1355-1365). BRCA2 c.425G>T was also identified in patients who collectively have a phenotype that is not consistent with a high risk BRCA2 pathogenic variant (Nix P et al. Fam Cancer, 2021 Jan). Since supporting evidence is conflicting at this time, the clinical significance of this alteration remains unclear.

NM_000059.4(BRCA2):c.425+1G>T

Gene: BRCA2 (BRCA2 DNA repair associated; plus strand). Cytogenetic location: 13q13.1.
Variant type: single nucleotide variant.
Coding change: c.425+1G>T on transcript NM_000059.4 (MANE Select); the canonical splice donor site of the intron after coding-DNA position 425, G replaced by T.
Molecular consequence: splice donor variant.
Genome position (GRCh38, 1-based): chr13:32,325,185, G>T. VCF-style: chr13-32325185-G-T. GRCh37 (hg19) VCF-style: chr13-32899322-G-T.
Other names: c.425+1G>T (NM_001432077.1, NM_001406720.1, NM_001406719.1 and 1 more transcripts); c.56+1G>T (NM_001406722.1).
Identifiers: ClinVar variation 4215881 (VCV004215881.1).
Genomic context (GRCh38, chr13:32,325,185, plus strand): 5'-TAAAATGGATCAAGCAGATGATGTTTCCTGTCCACTTCTAAATTCTTGTCTTAGTGAAAG[G>T]TATGATGAAGCTATTATATTAAAATATTTAAATGAAACATTTTCCTACATATATTTGTTC-3'